The following is an entry in ClinVar:

ClinVar aggregate classification (germline): Conflicting classifications of pathogenicity. Review status: criteria provided, conflicting classifications (1 of 4 stars). 4 submissions from 4 submitters: Uncertain significance (2); Likely benign (2). Last evaluated 2025-10-03.

Conditions:
Galactosylceramide beta-galactosidase deficiency. Also called: Leukodystrophy, Globoid Cell; GALACTOCEREBROSIDASE DEFICIENCY; GALC DEFICIENCY; GLOBOID CELL LEUKOENCEPHALOPATHY; Krabbe Disease. Identifiers: Orphanet 487, MedGen C0023521, MONDO:0009499, OMIM 245200.

Allele frequency attached by ClinVar (database versions not stated): gnomAD exomes below 0.00001 and 0.00001; TOPMed below 0.00001; gnomAD 0.00001.
gnomAD v4.1: 17 of 1,614,096 alleles (0.0011%); highest among the groups gnomAD compares: Middle Eastern, 0.033%; no homozygotes.

Submissions (4):

Mayo Clinic Laboratories, Mayo Clinic
Classification: Likely benign. Last evaluated: 2025-10-03. Review status: criteria provided, single submitter. Criteria: ACMG Guidelines, 2015. Collection method: clinical testing. Allele origin: germline. Observed: 1 variant allele.
Comment: BP4, BP7

Labcorp Genetics (formerly Invitae), Labcorp
Classification: Uncertain significance for Galactosylceramide beta-galactosidase deficiency. Last evaluated: 2024-01-29. Review status: criteria provided, single submitter. Criteria: Invitae Variant Classification Sherloc (09022015). Collection method: clinical testing. Allele origin: germline.
Comment: This sequence change falls in intron 4 of the GALC gene. It does not directly change the encoded amino acid sequence of the GALC protein. This variant is present in population databases (no rsID available, gnomAD no frequency). This variant has not been reported in the literature in individuals affected with GALC-related conditions. ClinVar contains an entry for this variant (Variation ID: 255377). Algorithms developed to predict the effect of sequence changes on RNA splicing suggest that this variant may create or strengthen a splice site. In summary, the available evidence is currently insufficient to determine the role of this variant in disease. Therefore, it has been classified as a Variant of Uncertain Significance.

Illumina Laboratory Services, Illumina
Classification: Uncertain significance for Galactosylceramide beta-galactosidase deficiency. Last evaluated: 2018-01-13. Review status: criteria provided, single submitter. Criteria: ICSL Variant Classification Criteria 13 December 2019. Collection method: clinical testing. Allele origin: germline.

PreventionGenetics, part of Exact Sciences
Classification: Likely benign. Review status: criteria provided, single submitter. Criteria: ACMG Guidelines, 2015. Collection method: clinical testing. Allele origin: germline.

NM_000153.4(GALC):c.443-12T>G

Gene: GALC (galactosylceramidase; minus strand). Cytogenetic location: 14q31.3.
Variant type: single nucleotide variant.
Coding change: c.443-12T>G on transcript NM_000153.4 (MANE Select); 12 bases into the intron before coding-DNA position 443, T replaced by G.
Molecular consequence: intron variant.
Genome position (GRCh38, 1-based): chr14:87,984,545, A>C on the plus strand (T>G on the coding strand, the complement: GALC is on the minus strand). VCF-style: chr14-87984545-A-C. GRCh37 (hg19) VCF-style: chr14-88450889-A-C.
Other names: p.?; c.365-12T>G (NM_001201402.2); c.374-12T>G (NM_001201401.2).
Identifiers: ClinVar variation 255377 (VCV000255377.10), dbSNP rs886038261, ClinGen allele CA10587191.